The following is an entry in ClinVar:

ClinVar aggregate classification (germline): Uncertain significance. Review status: criteria provided, multiple submitters, no conflicts (2 of 4 stars). 2 submissions from 2 submitters: Uncertain significance (2). Last evaluated 2025-02-22.

Conditions:
Hereditary cancer-predisposing syndrome. Also called: Neoplastic Syndromes, Hereditary; Hereditary neoplastic syndrome; Tumor predisposition; Hereditary Cancer Syndrome. Identifiers: Orphanet 140162, MedGen C0027672, MeSH D009386, MONDO:0015356.
Gorlin syndrome. Also called: Nevoid Basal Cell Carcinoma Syndrome; Basal cell nevus syndrome. Identifiers: Orphanet 377, MedGen C0004779, MONDO:0007187.

Allele frequency attached by ClinVar (database versions not stated): gnomAD exomes below 0.00001.
gnomAD v4.1: 3 of 1,613,220 alleles (0.00019%); highest among the groups gnomAD compares: Non-Finnish European, 0.00025%; no homozygotes.

Submissions (2):

Ambry Genetics
Classification: Uncertain significance for Hereditary cancer-predisposing syndrome. Last evaluated: 2025-02-22. Review status: criteria provided, single submitter. Criteria: Ambry Variant Classification Scheme 2023. Collection method: clinical testing. Allele origin: germline.
Comment: The p.H1382P variant (also known as c.4145A>C), located in coding exon 23 of the PTCH1 gene, results from an A to C substitution at nucleotide position 4145. The histidine at codon 1382 is replaced by proline, an amino acid with similar properties. This amino acid position is well conserved in available vertebrate species. In addition, the in silico prediction for this alteration is inconclusive. Since supporting evidence is limited at this time, the clinical significance of this alteration remains unclear.

Labcorp Genetics (formerly Invitae), Labcorp
Classification: Uncertain significance for Gorlin syndrome. Last evaluated: 2024-12-05. Review status: criteria provided, single submitter. Criteria: Invitae Variant Classification Sherloc (09022015). Collection method: clinical testing. Allele origin: germline.
Comment: This sequence change replaces histidine, which is basic and polar, with proline, which is neutral and non-polar, at codon 1382 of the PTCH1 protein (p.His1382Pro). This variant is not present in population databases (gnomAD no frequency). This variant has not been reported in the literature in individuals affected with PTCH1-related conditions. ClinVar contains an entry for this variant (Variation ID: 846425). Invitae Evidence Modeling of protein sequence and biophysical properties (such as structural, functional, and spatial information, amino acid conservation, physicochemical variation, residue mobility, and thermodynamic stability) indicates that this missense variant is not expected to disrupt PTCH1 protein function with a negative predictive value of 95%. In summary, the available evidence is currently insufficient to determine the role of this variant in disease. Therefore, it has been classified as a Variant of Uncertain Significance.

NM_000264.5(PTCH1):c.4145A>C (p.His1382Pro)

Gene: PTCH1 (patched 1; minus strand). Cytogenetic location: 9q22.32.
Variant type: single nucleotide variant.
Coding change: c.4145A>C on transcript NM_000264.5 (MANE Select); coding-DNA position 4145, A replaced by C.
Protein change: p.His1382Pro; replaces histidine 1382 with proline.
Molecular consequence: missense variant. On other transcripts: non-coding transcript variant (1).
Genome position (GRCh38, 1-based): chr9:95,447,111, T>G on the plus strand (A>C on the coding strand, the complement: PTCH1 is on the minus strand). VCF-style: chr9-95447111-T-G. GRCh37 (hg19) VCF-style: chr9-98209393-T-G.
Other names: c.3947A>C, p.His1316Pro (NM_001083602.3); c.4142A>C, p.His1381Pro (NM_001083603.3); c.3692A>C, p.His1231Pro (NM_001083604.3, NM_001083605.3, NM_001083606.3 and 1 more transcripts); c.3989A>C, p.His1330Pro (NM_001354918.2); short protein forms H1330P, H1231P, H1381P, H1316P, H1382P.
Identifiers: ClinVar variation 846425 (VCV000846425.13), dbSNP rs1837991686, ClinGen allele CA374110233.